The following is an entry in ClinVar:

NM_020987.5(ANK3):c.5306C>T (p.Thr1769Ile)

Gene: ANK3 (ankyrin 3; minus strand). Cytogenetic location: 10q21.2.
Variant type: single nucleotide variant.
Coding change: c.5306C>T on transcript NM_020987.5 (MANE Select); coding-DNA position 5306, C replaced by T.
Protein change: p.Thr1769Ile; replaces threonine 1769 with isoleucine.
Molecular consequence: missense variant. On other transcripts: intron variant (4).
Genome position (GRCh38, 1-based): chr10:60,075,575, G>A on the plus strand (C>T on the coding strand, the complement: ANK3 is on the minus strand). VCF-style: chr10-60075575-G-A. GRCh37 (hg19) VCF-style: chr10-61835333-G-A.
Other names: c.4387+4962C>T (NM_001204403.2); c.4408+4962C>T (NM_001204404.2); c.4405+4962C>T (NM_001320874.2); c.1807+4962C>T (NM_001149.4); c.5306C>T (NM_020987.3); short protein forms T1769I.
Identifiers: ClinVar variation 2152962 (VCV002152962.5), dbSNP rs745734310, ClinGen allele CA5512035.

ClinVar aggregate classification (germline): Uncertain significance. Review status: criteria provided, multiple submitters, no conflicts (2 of 4 stars). 2 submissions from 2 submitters: Uncertain significance (2). Last evaluated 2023-06-26.

Conditions:
Inborn genetic diseases. Identifiers: MedGen C0950123, MeSH D030342.

Allele frequency attached by ClinVar (database versions not stated): TOPMed 0.00002; ExAC 0.00003; gnomAD 0.00003; gnomAD exomes 0.00005.
gnomAD v4.1: 75 of 1,614,086 alleles (0.0046%); highest among the groups gnomAD compares: Middle Eastern, 0.083%; 1 homozygote.

Submissions (2):

Labcorp Genetics (formerly Invitae), Labcorp
Classification: Uncertain significance. Last evaluated: 2023-06-26. Review status: criteria provided, single submitter. Criteria: Invitae Variant Classification Sherloc (09022015). Collection method: clinical testing. Allele origin: germline.
Comment: In summary, the available evidence is currently insufficient to determine the role of this variant in disease. Therefore, it has been classified as a Variant of Uncertain Significance. Advanced modeling of protein sequence and biophysical properties (such as structural, functional, and spatial information, amino acid conservation, physicochemical variation, residue mobility, and thermodynamic stability) performed at Invitae indicates that this missense variant is not expected to disrupt ANK3 protein function. ClinVar contains an entry for this variant (Variation ID: 2152962). This variant has not been reported in the literature in individuals affected with ANK3-related conditions. This variant is present in population databases (rs745734310, gnomAD 0.01%). This sequence change replaces threonine, which is neutral and polar, with isoleucine, which is neutral and non-polar, at codon 1769 of the ANK3 protein (p.Thr1769Ile).

Ambry Genetics
Classification: Uncertain significance for Inborn genetic diseases. Last evaluated: 2021-08-30. Review status: criteria provided, single submitter. Criteria: Ambry Variant Classification Scheme 2023. Collection method: clinical testing. Allele origin: germline.